The following is an entry in ClinVar:

ClinVar aggregate classification (germline): Likely pathogenic (1 of 4 stars; one submission).

gnomAD v4.1: 1 of 1,614,152 alleles (0.000062%); highest among the groups gnomAD compares: African/African-American, 0.0013%; no homozygotes.

Submission:

Labcorp Genetics (formerly Invitae), Labcorp
Classification: Likely pathogenic. Last evaluated: 2023-07-10. Review status: criteria provided, single submitter. Criteria: Invitae Variant Classification Sherloc (09022015). Collection method: clinical testing. Allele origin: germline.
Comment: Advanced modeling of protein sequence and biophysical properties (such as structural, functional, and spatial information, amino acid conservation, physicochemical variation, residue mobility, and thermodynamic stability) performed at Invitae indicates that this missense variant is expected to disrupt USH2A protein function. ClinVar contains an entry for this variant (Variation ID: 1513496). This variant has not been reported in the literature in individuals affected with USH2A-related conditions. This variant is not present in population databases (gnomAD no frequency). This sequence change replaces threonine, which is neutral and polar, with arginine, which is basic and polar, at codon 4425 of the USH2A protein (p.Thr4425Arg). In summary, the currently available evidence indicates that the variant is pathogenic, but additional data are needed to prove that conclusively. Therefore, this variant has been classified as Likely Pathogenic. This variant disrupts the p.Thr4425Met amino acid residue in USH2A. Other variant(s) that disrupt this residue have been determined to be pathogenic (PMID: 24944099, 31266775, 32188678, 32581362). This suggests that this residue is clinically significant, and that variants that disrupt this residue are likely to be disease-causing.

Literature cited by the submitters: PubMed 24944099; PubMed 31266775; PubMed 32188678; PubMed 32581362.

NM_206933.4(USH2A):c.13274C>G (p.Thr4425Arg)

Gene: USH2A (usherin; minus strand). Cytogenetic location: 1q41.
Variant type: single nucleotide variant.
Coding change: c.13274C>G on transcript NM_206933.4 (MANE Select); coding-DNA position 13274, C replaced by G.
Protein change: p.Thr4425Arg; replaces threonine 4425 with arginine.
Molecular consequence: missense variant.
Genome position (GRCh38, 1-based): chr1:215,674,637, G>C on the plus strand (C>G on the coding strand, the complement: USH2A is on the minus strand). VCF-style: chr1-215674637-G-C. GRCh37 (hg19) VCF-style: chr1-215847979-G-C.
Other names: short protein forms T4425R.
Identifiers: ClinVar variation 1513496 (VCV001513496.8), dbSNP rs201238640, ClinGen allele CA344845908.